The following is an entry in ClinVar:

NM_000059.4(BRCA2):c.4045A>G (p.Ile1349Val)

Gene: BRCA2 (BRCA2 DNA repair associated; plus strand). Cytogenetic location: 13q13.1.
Variant type: single nucleotide variant.
Coding change: c.4045A>G on transcript NM_000059.4 (MANE Select); coding-DNA position 4045, A replaced by G.
Protein change: p.Ile1349Val; replaces isoleucine 1349 with valine.
Molecular consequence: missense variant.
Genome position (GRCh38, 1-based): chr13:32,338,400, A>G. VCF-style: chr13-32338400-A-G. GRCh37 (hg19) VCF-style: chr13-32912537-A-G.
Other names: short protein forms I1349V.
Identifiers: ClinVar variation 545615 (VCV000545615.16), dbSNP rs780544697, ClinGen allele CA6940743.
Genomic context (GRCh38, chr13:32,338,400, plus strand): 5'-AGAAATTCTCATAACTTAGAATTTGATGGCAGTGATTCAAGTAAAAATGATACTGTTTGT[A>G]TTCATAAAGATGAAACGGACTTGCTATTTACTGATCAGCACAACATATGTCTTAAATTAT-3'
Protein context (NP_000050.3, residues 1339-1359): SDSSKNDTVC[Ile1349Val]HKDETDLLFT

ClinVar aggregate classification (germline): Conflicting classifications of pathogenicity. Review status: criteria provided, conflicting classifications (1 of 4 stars). 5 submissions from 5 submitters: Uncertain significance (3); Likely benign (1). 1 of the submissions does not count toward it. Last evaluated 2025-06-10.

Conditions:
Hereditary breast ovarian cancer syndrome. Also called: Hereditary breast and ovarian cancer; Hereditary breast and/or ovarian cancer syndrome; Hereditary breast and ovarian cancer syndrome (HBOC); Breast and ovarian cancer; BRCA1- and BRCA2-Associated Hereditary Breast and Ovarian Cancer; Hereditary breast and ovarian cancer syndrome. Identifiers: Orphanet 145, MedGen C0677776, MeSH D061325, MONDO:0003582. Disease mechanism: loss of function.
Hereditary cancer-predisposing syndrome. Also called: Neoplastic Syndromes, Hereditary; Hereditary neoplastic syndrome; Tumor predisposition; Hereditary Cancer Syndrome. Identifiers: Orphanet 140162, MedGen C0027672, MeSH D009386, MONDO:0015356.
Breast-ovarian cancer, familial, susceptibility to, 2 (BROVCA2). Also called: BRCA2 Hereditary Breast and Ovarian Cancer. Identifiers: Orphanet 145, MedGen C2675520, MONDO:0012933, OMIM 612555. Disease mechanism: loss of function.

Allele frequency attached by ClinVar (database versions not stated): gnomAD exomes below 0.00001 and 0.00001; ExAC 0.00001.
gnomAD v4.1: 3 of 1,601,104 alleles (0.00019%); highest among the groups gnomAD compares: Middle Eastern, 0.017%; no homozygotes.

Submissions (5):

GeneDx
Classification: Uncertain significance. Last evaluated: 2025-06-10. Review status: criteria provided, single submitter. Criteria: GeneDx Variant Classification Process June 2021. Collection method: clinical testing. Allele origin: germline. Affected: yes.
Comment: Not observed at significant frequency in large population cohorts (gnomAD); In silico analysis suggests that this missense variant does not alter protein structure/function; Has not been previously published as pathogenic or benign to our knowledge; Also known as 4273A>G

KCCC/NGS Laboratory, Kuwait Cancer Control Center
Classification: Uncertain significance for Breast-ovarian cancer, familial, susceptibility to, 2. Last evaluated: 2023-06-06. Review status: criteria provided, single submitter. Criteria: ACMG Guidelines, 2015. Collection method: clinical testing. Allele origin: germline. Affected: yes.
Comment: Also, a variant of uncertain significant was detected in the BRCA2 gene. This sequence change substitutes valine for isoleucine at codon 1349. This variant is listed in the population database (ExAC frequency 0.004%). As far as we known, this variant has not been reported in families with breast or ovarian cancer. In silico predictions show this variant to be Polyphen: “benign” and SIFT: “tolerated”. ClinVar has an entry for this variant (ClinVar 545615). In summary, this variant is considered to be of uncertain significant. Genetic counseling is recommended.

University of Washington Department of Laboratory Medicine, University of Washington
Classification: Likely benign for Hereditary cancer-predisposing syndrome. Last evaluated: 2023-03-23. Review status: criteria provided, single submitter. Criteria: Dines et al. (Genet Med. 2020). Collection method: curation. Allele origin: germline.
Comment: Missense variant in a coldspot region where missense variants are very unlikely to be pathogenic (PMID:31911673).

BRCA2 exon 11 coldspot. Reclassification based on statistical prior probability.

Labcorp Genetics (formerly Invitae), Labcorp
Classification: Uncertain significance for Hereditary breast ovarian cancer syndrome. Last evaluated: 2023-01-30. Review status: criteria provided, single submitter. Criteria: Invitae Variant Classification Sherloc (09022015). Collection method: clinical testing. Allele origin: germline.
Comment: This sequence change replaces isoleucine, which is neutral and non-polar, with valine, which is neutral and non-polar, at codon 1349 of the BRCA2 protein (p.Ile1349Val). This variant is present in population databases (rs780544697, gnomAD 0.0009%). This variant has not been reported in the literature in individuals affected with BRCA2-related conditions. ClinVar contains an entry for this variant (Variation ID: 545615). Advanced modeling of protein sequence and biophysical properties (such as structural, functional, and spatial information, amino acid conservation, physicochemical variation, residue mobility, and thermodynamic stability) performed at Invitae indicates that this missense variant is not expected to disrupt BRCA2 protein function. In summary, the available evidence is currently insufficient to determine the role of this variant in disease. Therefore, it has been classified as a Variant of Uncertain Significance.

Mayo Clinic Laboratories, Mayo Clinic
Classification: Uncertain significance. Last evaluated: 2018-02-28. Review status: no assertion criteria provided. Collection method: clinical testing. Allele origin: unknown. Not counted in ClinVar's aggregate classification.